The following is an entry in ClinVar:

NM_004273.5(CHST3):c.269T>C (p.Leu90Pro)

Gene: CHST3 (carbohydrate sulfotransferase 3; plus strand). Cytogenetic location: 10q22.1.
Variant type: single nucleotide variant.
Coding change: c.269T>C on transcript NM_004273.5 (MANE Select); coding-DNA position 269, T replaced by C.
Protein change: p.Leu90Pro; replaces leucine 90 with proline.
Molecular consequence: missense variant.
Genome position (GRCh38, 1-based): chr10:72,007,300, T>C. VCF-style: chr10-72007300-T-C. GRCh37 (hg19) VCF-style: chr10-73767058-T-C.
Other names: short protein forms L90P.
Identifiers: ClinVar variation 964544 (VCV000964544.9), dbSNP rs138203946, ClinGen allele CA5548049.

ClinVar aggregate classification (germline): Uncertain significance. Review status: criteria provided, multiple submitters, no conflicts (2 of 4 stars). 2 submissions from 2 submitters: Uncertain significance (2). Last evaluated 2025-08-31.

Conditions:
Inborn genetic diseases. Identifiers: MedGen C0950123, MeSH D030342.
Spondyloepiphyseal dysplasia with congenital joint dislocations (SEDCJD). Also called: Chondrodysplasia with Congenital Joint Dislocations, CHST3-Related. Identifiers: Orphanet 263463, MedGen C1837657, MONDO:0007738, OMIM 143095.

Allele frequency attached by ClinVar (database versions not stated): gnomAD 0.00005 and 0.00006; ESP Exome Variant Server 0.00008; gnomAD exomes 0.00008; TOPMed 0.00008; ExAC 0.00012.

Submissions (2):

Ambry Genetics
Classification: Uncertain significance for Inborn genetic diseases. Last evaluated: 2025-08-31. Review status: criteria provided, single submitter. Criteria: Ambry Variant Classification Scheme 2023. Collection method: clinical testing. Allele origin: germline.

Labcorp Genetics (formerly Invitae), Labcorp
Classification: Uncertain significance for Spondyloepiphyseal dysplasia with congenital joint dislocations. Last evaluated: 2022-10-25. Review status: criteria provided, single submitter. Criteria: Invitae Variant Classification Sherloc (09022015). Collection method: clinical testing. Allele origin: germline.
Comment: This sequence change replaces leucine, which is neutral and non-polar, with proline, which is neutral and non-polar, at codon 90 of the CHST3 protein (p.Leu90Pro). This variant is present in population databases (rs138203946, gnomAD 0.02%). This variant has not been reported in the literature in individuals affected with CHST3-related conditions. ClinVar contains an entry for this variant (Variation ID: 964544). Algorithms developed to predict the effect of missense changes on protein structure and function are either unavailable or do not agree on the potential impact of this missense change (SIFT: "Tolerated"; PolyPhen-2: "Possibly Damaging"; Align-GVGD: "Class C0"). In summary, the available evidence is currently insufficient to determine the role of this variant in disease. Therefore, it has been classified as a Variant of Uncertain Significance.